The following is an entry in ClinVar:

NM_016592.5(GNAS):c.667A>C (p.Lys223Gln)

Genes: GNAS (GNAS complex locus; plus strand), GNAS-AS1 (GNAS antisense RNA 1; minus strand). Cytogenetic location: 20q13.32.
Variant type: single nucleotide variant.
Coding change: c.667A>C on transcript NM_016592.5 (MANE Plus Clinical); coding-DNA position 667, A replaced by C.
Protein change: p.Lys223Gln; replaces lysine 223 with glutamine.
Molecular consequence: missense variant. On other transcripts: 5 prime UTR variant (1).
Genome position (GRCh38, 1-based): chr20:58,840,773, A>C. VCF-style: chr20-58840773-A-C. GRCh37 (hg19) VCF-style: chr20-57415828-A-C.
Other names: c.-71A>C (NM_001410912.1); short protein forms K223Q.
Identifiers: ClinVar variation 4977516 (VCV004977516.1).

ClinVar aggregate classification (germline): Uncertain significance (1 of 4 stars; one submission).

Conditions:
GNAS-related disorder. Identifiers: MedGen CN380105.

gnomAD v4.1: 8 of 1,609,188 alleles (0.0005%); highest among the groups gnomAD compares: Non-Finnish European, 0.00059%; no homozygotes.

Submission:

PreventionGenetics, part of Exact Sciences
Classification: Uncertain significance for GNAS-related condition. Last evaluated: 2025-04-09. Review status: criteria provided, single submitter. Criteria: ACMG Guidelines, 2015. Collection method: clinical testing. Allele origin: germline.
Comment: The GNAS c.667A>C variant is predicted to result in the amino acid substitution p.Lys223Gln. This variant is referred to as c.-50954A>C (pre-coding) with an alternate transcript NM_000516. To our knowledge, this variant has not been reported in the literature or in a large population database (gnomAD), indicating this variant is rare. At this time, the clinical significance of this variant is uncertain due to the absence of conclusive functional and genetic evidence.